The following is an entry in ClinVar:

ClinVar aggregate classification (germline): Uncertain significance. Review status: criteria provided, multiple submitters, no conflicts (2 of 4 stars). 2 submissions from 2 submitters: Uncertain significance (2). Last evaluated 2025-08-29.

Conditions:
Cardiovascular phenotype. Identifiers: MedGen CN230736.
Brugada syndrome. Also called: Sudden Unexplained Death Syndrome; Sudden Unexplained Nocturnal Death Syndrome (SUNDS); Sudden unexpected nocturnal death syndrome; Sudden unexplained nocturnal death syndrome. Identifiers: Orphanet 130, MedGen C1142166, MONDO:0015263.

Allele frequency attached by ClinVar (database versions not stated): gnomAD 0.00001; gnomAD exomes 0.00001; TOPMed 0.00001.
gnomAD v4.1: 14 of 1,614,024 alleles (0.00087%); highest among the groups gnomAD compares: Middle Eastern, 0.099%; no homozygotes.

Submissions (2):

Labcorp Genetics (formerly Invitae), Labcorp
Classification: Uncertain significance for Brugada syndrome. Last evaluated: 2025-08-29. Review status: criteria provided, single submitter. Criteria: Invitae Variant Classification Sherloc (09022015). Collection method: clinical testing. Allele origin: germline.
Comment: This sequence change replaces threonine, which is neutral and polar, with alanine, which is neutral and non-polar, at codon 1747 of the SCN10A protein (p.Thr1747Ala). This variant is not present in population databases (gnomAD no frequency). This variant has not been reported in the literature in individuals affected with SCN10A-related conditions. ClinVar contains an entry for this variant (Variation ID: 1746267). Invitae Evidence Modeling of protein sequence and biophysical properties (such as structural, functional, and spatial information, amino acid conservation, physicochemical variation, residue mobility, and thermodynamic stability) indicates that this missense variant is not expected to disrupt SCN10A protein function with a negative predictive value of 80%. In summary, the available evidence is currently insufficient to determine the role of this variant in disease. Therefore, it has been classified as a Variant of Uncertain Significance.

Ambry Genetics
Classification: Uncertain significance for Cardiovascular phenotype. Last evaluated: 2024-10-08. Review status: criteria provided, single submitter. Criteria: Ambry Variant Classification Scheme 2023. Collection method: clinical testing. Allele origin: germline.
Comment: The p.T1747A variant (also known as c.5239A>G), located in coding exon 27 of the SCN10A gene, results from an A to G substitution at nucleotide position 5239. The threonine at codon 1747 is replaced by alanine, an amino acid with similar properties. This amino acid position is conserved. In addition, the in silico prediction for this alteration is inconclusive. Since supporting evidence is limited at this time, the clinical significance of this alteration remains unclear.

NM_006514.4(SCN10A):c.5239A>G (p.Thr1747Ala)

Gene: SCN10A (sodium voltage-gated channel alpha subunit 10; minus strand). Cytogenetic location: 3p22.2.
Variant type: single nucleotide variant.
Coding change: c.5239A>G on transcript NM_006514.4 (MANE Select); coding-DNA position 5239, A replaced by G.
Protein change: p.Thr1747Ala; replaces threonine 1747 with alanine.
Molecular consequence: missense variant.
Genome position (GRCh38, 1-based): chr3:38,697,981, T>C on the plus strand (A>G on the coding strand, the complement: SCN10A is on the minus strand). VCF-style: chr3-38697981-T-C. GRCh37 (hg19) VCF-style: chr3-38739472-T-C.
Other names: c.5236A>G, p.Thr1746Ala (NM_001293306.2); c.4945A>G, p.Thr1649Ala (NM_001293307.2); short protein forms T1746A, T1649A, T1747A.
Identifiers: ClinVar variation 1746267 (VCV001746267.4), dbSNP rs1169488990, ClinGen allele CA352154196.
Genomic context (GRCh38, chr3:38,697,981, plus strand): 5'-AGTCCGAGAGAGCAGAAAAGGTAATAAACTGAGTGGCCTCTGGGTCAAACTTCTCCCAGG[T>C]CTCATAGAACATGTCAAAGTCGTCCTCACTCAGGGGCTCAGTGCTCTCCTCCGTGGCCAC-3'
Protein context (NP_006505.4, residues 1737-1757): SEDDFDMFYE[Thr1747Ala]WEKFDPEATQ